The following is an entry in ClinVar:

ClinVar aggregate classification (germline): Conflicting classifications of pathogenicity. Review status: criteria provided, conflicting classifications (1 of 4 stars). 6 submissions from 6 submitters: Uncertain significance (4); Likely benign (2). Last evaluated 2026-03-25.

Conditions:
MYH14-related disorder. Also called: MYH14-related condition.
Autosomal dominant nonsyndromic hearing loss 4A. Also called: Deafness, autosomal dominant 4A. Identifiers: Orphanet 90635, MedGen C1833503, MONDO:0010915, OMIM 600652.

Allele frequency attached by ClinVar (database versions not stated): TOPMed 0.00005; gnomAD 0.00007 and 0.00008; ESP Exome Variant Server 0.00008.
gnomAD v4.1: 108 of 1,612,080 alleles (0.0067%); highest among the groups gnomAD compares: Non-Finnish European, 0.0081%; no homozygotes.

Submissions (6):

PreventionGenetics, part of Exact Sciences
Classification: Uncertain significance for MYH14-related condition. Last evaluated: 2026-03-25. Review status: criteria provided, single submitter. Criteria: ACMG Guidelines, 2015. Collection method: clinical testing. Allele origin: germline.
Comment: The MYH14 c.3778G>A variant is predicted to result in the amino acid substitution p.Gly1260Ser. To our knowledge, this variant has not been reported in the literature. This variant is reported in 0.020% of alleles in individuals of European (Finnish) descent in gnomAD. Although we suspect that this variant may be benign, at this time, the clinical significance of this variant is uncertain due to the absence of conclusive functional and genetic evidence.

Labcorp Genetics (formerly Invitae), Labcorp
Classification: Uncertain significance. Last evaluated: 2025-12-08. Review status: criteria provided, single submitter. Criteria: Invitae Variant Classification Sherloc (09022015). Collection method: clinical testing. Allele origin: germline.
Comment: This sequence change replaces glycine, which is neutral and non-polar, with serine, which is neutral and polar, at codon 1219 of the MYH14 protein (p.Gly1219Ser). This variant is present in population databases (rs200272339, gnomAD 0.02%). This variant has not been reported in the literature in individuals affected with MYH14-related conditions. ClinVar contains an entry for this variant (Variation ID: 44069). Invitae Evidence Modeling of protein sequence and biophysical properties (such as structural, functional, and spatial information, amino acid conservation, physicochemical variation, residue mobility, and thermodynamic stability) indicates that this missense variant is not expected to disrupt MYH14 protein function with a negative predictive value of 80%. In summary, the available evidence is currently insufficient to determine the role of this variant in disease. Therefore, it has been classified as a Variant of Uncertain Significance.

Laboratory of Genetics, Children's Clinical University Hospital Latvia
Classification: Likely benign. Last evaluated: 2025-02-16. Review status: criteria provided, single submitter. Criteria: ACMG Guidelines, 2015. Collection method: clinical testing. Allele origin: germline. Affected: yes.

Illumina Laboratory Services, Illumina
Classification: Uncertain significance for Autosomal dominant nonsyndromic hearing loss 4A. Last evaluated: 2018-01-12. Review status: criteria provided, single submitter. Criteria: ICSL Variant Classification Criteria 13 December 2019. Collection method: clinical testing. Allele origin: germline.

CeGaT Center for Human Genetics Tuebingen
Classification: Uncertain significance. Last evaluated: 2017-07-01. Review status: criteria provided, single submitter. Criteria: CeGaT Center For Human Genetics Tuebingen Variant Classification Criteria Version 2. Collection method: clinical testing. Allele origin: germline. Affected: yes. Observed: 1 variant allele.

Laboratory for Molecular Medicine, Mass General Brigham Personalized Medicine
Classification: Likely benign. Last evaluated: 2013-02-12. Review status: criteria provided, single submitter. Criteria: LMM Criteria. Collection method: clinical testing. Allele origin: germline. Observed: 1 variant allele.
Comment: Gly1260Ser in exon 29 of MYH14: This variant is not expected to have clinical si gnificance because it is not evolutionarily conserved and some mammals, includin g mouse and rat, carry a serine (Ser) at this position. Furthermore, this varian t has been identified in 0.01% (1/8470) of European American chromosomes from a broad population by the NHLBI Exome Sequencing Project (.edu/EVS/; dbSNP rs200272339).

NM_001145809.2(MYH14):c.3778G>A (p.Gly1260Ser)

Gene: MYH14 (myosin heavy chain 14; plus strand). Cytogenetic location: 19q13.33.
Variant type: single nucleotide variant.
Coding change: c.3778G>A on transcript NM_001145809.2 (MANE Select); coding-DNA position 3778, G replaced by A.
Protein change: p.Gly1260Ser; replaces glycine 1260 with serine.
Molecular consequence: missense variant.
Genome position (GRCh38, 1-based): chr19:50,276,854, G>A. VCF-style: chr19-50276854-G-A. GRCh37 (hg19) VCF-style: chr19-50780111-G-A.
Other names: c.3679G>A, p.Gly1227Ser (NM_001077186.2); c.3655G>A, p.Gly1219Ser (NM_024729.4); short protein forms G1260S, G1219S, G1227S.
Identifiers: ClinVar variation 44069 (VCV000044069.54), dbSNP rs200272339, ClinGen allele CA133497.